The following is an entry in ClinVar:

ClinVar aggregate classification (germline): Conflicting classifications of pathogenicity. Review status: criteria provided, conflicting classifications (1 of 4 stars). 2 submissions from 2 submitters: Likely pathogenic (1); Uncertain significance (1). Last evaluated 2023-12-19.

Conditions:
Cardiovascular phenotype. Identifiers: MedGen CN230736.
Hereditary cancer-predisposing syndrome. Also called: Hereditary Cancer Syndrome; Hereditary neoplastic syndrome; Neoplastic Syndromes, Hereditary; Tumor predisposition. Identifiers: Orphanet 140162, MedGen C0027672, MeSH D009386, MONDO:0015356.

Submissions (2):

Labcorp Genetics (formerly Invitae), Labcorp
Classification: Likely pathogenic. Last evaluated: 2023-12-19. Review status: criteria provided, single submitter. Criteria: Invitae Variant Classification Sherloc (09022015). Collection method: clinical testing. Allele origin: germline.
Comment: This sequence change replaces glycine, which is neutral and non-polar, with arginine, which is basic and polar, at codon 404 of the LZTR1 protein (p.Gly404Arg). This variant is not present in population databases (gnomAD no frequency). This missense change has been observed in individuals with schwannomatosis (PMID: 24362817, 27856782, 35698239). ClinVar contains an entry for this variant (Variation ID: 1750357). Advanced modeling of protein sequence and biophysical properties (such as structural, functional, and spatial information, amino acid conservation, physicochemical variation, residue mobility, and thermodynamic stability) performed at Invitae indicates that this missense variant is not expected to disrupt LZTR1 protein function with a negative predictive value of 80%. Experimental studies have shown that this missense change affects LZTR1 function (PMID: 30442762). In summary, the currently available evidence indicates that the variant is pathogenic, but additional data are needed to prove that conclusively. Therefore, this variant has been classified as Likely Pathogenic.

Ambry Genetics
Classification: Uncertain significance for Cardiovascular phenotype; Hereditary cancer-predisposing syndrome. Last evaluated: 2021-04-07. Review status: criteria provided, single submitter. Criteria: Ambry Variant Classification Scheme 2023. Collection method: clinical testing. Allele origin: germline.
Comment: The p.G404R variant (also known as c.1210G>C), located in coding exon 11 of the LZTR1 gene, results from a G to C substitution at nucleotide position 1210. The glycine at codon 404 is replaced by arginine, an amino acid with dissimilar properties. A different nucleotide substitution, c.1210G>A, which result in the same protein change, p.G404R, has been reported in patients with schwannomatosis (Piotrowski A et al. Nat Genet, 2014 Feb;46:182-7; Smith MJ et al. Neurology, 2017 Jan;88:87-92). This amino acid position is highly conserved in available vertebrate species. In addition, this alteration is predicted to be deleterious by in silico analysis. Since supporting evidence is limited at this time, the clinical significance of this alteration remains unclear.

Literature cited by the submitters: PubMed 24362817 (cited by Labcorp Genetics (formerly Invitae), Labcorp); PubMed 27856782 (cited by Labcorp Genetics (formerly Invitae), Labcorp); PubMed 35698239 (cited by Labcorp Genetics (formerly Invitae), Labcorp); PubMed 30442762 (cited by Labcorp Genetics (formerly Invitae), Labcorp).

NM_006767.4(LZTR1):c.1210G>C (p.Gly404Arg)

Gene: LZTR1 (leucine zipper like post translational regulator 1; plus strand). Cytogenetic location: 22q11.21.
Variant type: single nucleotide variant.
Coding change: c.1210G>C on transcript NM_006767.4 (MANE Select); coding-DNA position 1210, G replaced by C.
Protein change: p.Gly404Arg; replaces glycine 404 with arginine.
Molecular consequence: missense variant.
Genome position (GRCh38, 1-based): chr22:20,992,854, G>C. VCF-style: chr22-20992854-G-C. GRCh37 (hg19) VCF-style: chr22-21347143-G-C.
Other names: short protein forms G404R.
Identifiers: ClinVar variation 1750357 (VCV001750357.5), dbSNP rs1470449160, ClinGen allele CA410773924.